The following is an entry in ClinVar:

NM_001130987.2(DYSF):c.1669del (p.Tyr557fs)

Gene: DYSF (dysferlin; plus strand). Cytogenetic location: 2p13.2.
Variant type: Deletion.
Coding change: c.1669del on transcript NM_001130987.2 (MANE Select); coding-DNA position 1669, one base deleted (T; older notation c.1669delT).
Protein change: p.Tyr557fs; shifts the reading frame from tyrosine 557.
Molecular consequence: frameshift variant.
Genome position (GRCh38, 1-based): chr2:71,551,133, T deleted. VCF-style (leftmost placement, unchanged base first): chr2-71551132-CT-C. GRCh37 (hg19) VCF-style: chr2-71778262-CT-C.
Other names: c.1618del, p.Tyr540fs (NM_001130455.2, NM_001130983.2); c.1573del, p.Tyr525fs (NM_001130976.2, NM_001130977.2); c.1615del, p.Tyr539fs (NM_001130978.2, NM_003494.4); c.1708del, p.Tyr570fs (NM_001130979.2); c.1666del, p.Tyr556fs (NM_001130980.2, NM_001130981.2); c.1711del, p.Tyr571fs (NM_001130982.2); c.1576del, p.Tyr526fs (NM_001130984.2, NM_001130986.2); c.1669del, p.Tyr557fs (NM_001130985.2); short protein forms Y525fs, Y526fs, Y539fs, Y540fs, Y556fs, Y557fs, Y570fs, Y571fs.
Identifiers: ClinVar variation 1725007 (VCV001725007.3), dbSNP rs2545668961, ClinGen allele CA2580067803.

ClinVar aggregate classification (germline): Likely pathogenic (1 of 4 stars; one submission).

Conditions:
Autosomal recessive limb-girdle muscular dystrophy. Identifiers: Orphanet 102015, MedGen C2931907, MONDO:0015152.

Submission:

Myriad Genetics, Inc.
Classification: Likely pathogenic for Autosomal recessive limb-girdle muscular dystrophy. Last evaluated: 2022-03-04. Review status: criteria provided, single submitter. Criteria: Myriad Autosomal Dominant, Autosomal Recessive and X-Linked Classification Criteria (2023). Collection method: clinical testing. Allele origin: unknown.
Comment: NM_003494.3(DYSF):c.1615delT(Y539Tfs*88) is expected to be pathogenic in the context of dysferlinopathy. This variant is predicted to lead to an abnormal or absent protein product due to the creation of a premature termination codon in DYSF, a gene where loss-of-function variants are known to be pathogenic. Please note: this variant was assessed in the context of healthy population screening.